The following is an entry in ClinVar:

ClinVar aggregate classification (germline): Uncertain significance (1 of 4 stars; one submission).

Conditions:
Polycystic kidney disease, adult type (PKD1). Also called: Polycystic Kidney Disease 1, Autosomal Dominant; Polycystic kidney disease 1; Polycystic kidney disease 1, severe; POLYCYSTIC KIDNEY DISEASE, ADULT, TYPE I; Polycystic Kidney, Autosomal Dominant; POLYCYSTIC KIDNEY DISEASE 1 WITH OR WITHOUT POLYCYSTIC LIVER DISEASE. Identifiers: MedGen C3149841, MONDO:0008263, OMIM 173900.

Submission:

Victorian Clinical Genetics Services, Murdoch Childrens Research Institute
Classification: Uncertain significance for Polycystic kidney disease, adult type. Last evaluated: 2026-04-08. Review status: criteria provided, single submitter. Criteria: ACMG Guidelines, 2015. Collection method: clinical testing. Allele origin: germline. Affected: yes.
Comment: This variant is classified as VUS-3A. Evidence in support of pathogenic classification: In-frame insertion in a non-repetitive region that has moderate conservation; Variant is absent from gnomAD (v2, v3 and v4); Another inframe insertion variant comparable to the one identified in this case has limited previous evidence for pathogenicity. p.(Leu2514_Arg2515ins4) has been reported as pathogenic. p.(Leu2514dup) has been reported in a cohort with PKD as a VUS (PMID: 35778421). Additional information: This variant is heterozygous; This gene is associated with autosomal dominant disease. Polycystic kidney disease 1 (MIM#173900) is predominantly caused by monoallelic variants, with rare reports of biallelic variants causing disease (OMIM); This variant has no previous evidence of pathogenicity; No published evidence of segregation with disease has been identified for this variant; No published functional evidence has been identified for this variant; Variant is located in the annotated REJ domain (DECIPHER); Loss of function is a known mechanism of disease in this gene and is associated with polycystic kidney disease 1 (MIM#173900). - Inheritance information for this variant is not currently available in this individual.

Literature cited by the submitters: PubMed 35778421.

NM_001009944.3(PKD1):c.7529_7543dup (p.Leu2514_Arg2515insHisAlaLeuLeuLeu)

Gene: PKD1 (polycystin 1, transient receptor potential channel interacting; minus strand). Cytogenetic location: 16p13.3.
Variant type: Duplication.
Coding change: c.7529_7543dup on transcript NM_001009944.3 (MANE Select); coding-DNA positions 7529 to 7543, 15 bases duplicated (ACGCCCTGCTGCTGC).
Protein change: p.Leu2514_Arg2515insHisAlaLeuLeuLeu.
Molecular consequence: inframe insertion.
Genome position (GRCh38, 1-based): chr16:2,106,251-2,106,265, GCAGCAGCAGGGCGT duplicated on the plus strand (ACGCCCTGCTGCTGC on the coding strand, the reverse complement: PKD1 is on the minus strand). VCF-style (leftmost placement, unchanged base first): chr16-2106250-C-CGCAGCAGCAGGGCGT. GRCh37 (hg19) VCF-style: chr16-2156251-C-CGCAGCAGCAGGGCGT.
Other names: c.7529_7543dup, p.Leu2514_Arg2515insHisAlaLeuLeuLeu (NM_000296.4).
Identifiers: ClinVar variation 4879613 (VCV004879613.1).
Genomic context (GRCh38, chr16:2,106,250, plus strand): 5'-TAGCTGGAGAGGCTGCCCTTGTAGACACAGAACTCCTCGCAGTGGCCCTGGCGACAGCGC[C>CGCAGCAGCAGGGCGT]GCAGCAGCAGGGCGTACACCAGCGGGGCGCCAGCATCCTCCGCGTCATGCCAGCCTGAGG-3'